The following is an entry in ClinVar:

ClinVar aggregate classification (germline): Uncertain significance (1 of 4 stars; one submission).

gnomAD v4.1: 1 of 1,614,004 alleles (0.000062%); highest among the groups gnomAD compares: Non-Finnish European, 0.000085%; no homozygotes.

Submission:

GeneDx
Classification: Uncertain significance. Last evaluated: 2026-03-05. Review status: criteria provided, single submitter. Criteria: GeneDx Variant Classification Process June 2021. Collection method: clinical testing. Allele origin: germline.
Comment: Not observed at significant frequency in large population cohorts (gnomAD); In silico analysis supports that this missense variant has a deleterious effect on protein structure/function; Has not been previously published as pathogenic or benign to our knowledge

NM_022552.5(DNMT3A):c.922G>A (p.Gly308Ser)

Gene: DNMT3A (DNA methyltransferase 3 alpha; minus strand). Cytogenetic location: 2p23.3.
Variant type: single nucleotide variant.
Coding change: c.922G>A on transcript NM_022552.5 (MANE Select); coding-DNA position 922, G replaced by A.
Protein change: p.Gly308Ser; replaces glycine 308 with serine.
Molecular consequence: missense variant. On other transcripts: non-coding transcript variant (1).
Genome position (GRCh38, 1-based): chr2:25,247,683, C>T on the plus strand (G>A on the coding strand, the complement: DNMT3A is on the minus strand). VCF-style: chr2-25247683-C-T. GRCh37 (hg19) VCF-style: chr2-25470552-C-T.
Other names: c.466G>A, p.Gly156Ser (NM_001320893.1); c.253G>A, p.Gly85Ser (NM_001375819.1); c.355G>A, p.Gly119Ser (NM_153759.3); c.922G>A, p.Gly308Ser (NM_175629.2); short protein forms G119S, G156S, G85S, G308S.
Identifiers: ClinVar variation 5008613 (VCV005008613.1).
Genomic context (GRCh38, chr2:25,247,683, plus strand): 5'-CCCAGCGGGTGCCTTCAGCTGCTCGGCTCCGGCCCGTCATCCACCAAGACACAATGCGGC[C>T]TGGCCACCAGGAGAAGCCCCGCAGTTTCCCCCACACCAGCTCCCCAATGCCAAAGCCCCG-3'
Protein context (NP_072046.2, residues 298-318): GKLRGFSWWP[Gly308Ser]RIVSWWMTGR